The following is an entry in ClinVar:

NM_006904.7(PRKDC):c.8265+5G>C

Gene: PRKDC (protein kinase, DNA-activated, catalytic subunit; minus strand). Cytogenetic location: 8q11.21.
Variant type: single nucleotide variant.
Coding change: c.8265+5G>C on transcript NM_006904.7 (MANE Select); 5 bases into the intron after coding-DNA position 8265, G replaced by C.
Molecular consequence: intron variant.
Genome position (GRCh38, 1-based): chr8:47,831,809, C>G on the plus strand (G>C on the coding strand, the complement: PRKDC is on the minus strand). VCF-style: chr8-47831809-C-G. GRCh37 (hg19) VCF-style: chr8-48744370-C-G.
Other names: c.8265+5G>C (NM_001081640.2).
Identifiers: ClinVar variation 954027 (VCV000954027.5), dbSNP rs376002667, ClinGen allele CA581655782.

ClinVar aggregate classification (germline): Uncertain significance (1 of 4 stars; one submission).

Conditions:
Severe combined immunodeficiency due to DNA-PKcs deficiency. Also called: IMMUNODEFICIENCY 26 WITH NEUROLOGIC ABNORMALITIES; Immunodeficiency 26 with or without neurologic abnormalities. Identifiers: Orphanet 317425, MedGen C4014833, MONDO:0014423, OMIM 615966.

gnomAD v4.1: 2 of 1,613,308 alleles (0.00012%); highest among the groups gnomAD compares: Non-Finnish European, 0.00017%; no homozygotes.

Submission:

Labcorp Genetics (formerly Invitae), Labcorp
Classification: Uncertain significance for Severe combined immunodeficiency due to DNA-PKcs deficiency. Last evaluated: 2020-02-25. Review status: criteria provided, single submitter. Criteria: Invitae Variant Classification Sherloc (09022015). Collection method: clinical testing. Allele origin: germline.
Comment: This variant is not present in population databases (ExAC no frequency). This sequence change falls in intron 60 of the PRKDC gene. It does not directly change the encoded amino acid sequence of the PRKDC protein, but it affects a nucleotide within the consensus splice site of the intron. This variant has not been reported in the literature in individuals with PRKDC-related conditions. Nucleotide substitutions within the consensus splice site are a relatively common cause of aberrant splicing (PMID: 17576681, 9536098). Algorithms developed to predict the effect of sequence changes on RNA splicing suggest that this variant may disrupt the consensus splice site, but this prediction has not been confirmed by published transcriptional studies. In summary, the available evidence is currently insufficient to determine the role of this variant in disease. Therefore, it has been classified as a Variant of Uncertain Significance.

Literature cited by the submitters: PubMed 17576681; PubMed 9536098.